The following is an entry in ClinVar:

NM_001122630.2(CDKN1C):c.555GGCCCC[3] (p.186AP[11])

Gene: CDKN1C (cyclin dependent kinase inhibitor 1C; minus strand). Cytogenetic location: 11p15.4.
Variant type: Microsatellite.
Coding change: c.555GGCCCC[3] on transcript NM_001122630.2 (MANE Select); three copies in a row of the 6-base unit GGCCCC starting at c.555; the reference has two copies in a row; one copy, 6 bases duplicated.
Protein change: p.186AP[11].
Molecular consequence: inframe insertion. On other transcripts: intron variant (1).
Genome position (GRCh38, 1-based): chr11:2,884,891-2,884,896, GGGGCC duplicated on the plus strand (GGCCCC on the coding strand, the reverse complement: CDKN1C is on the minus strand); duplicating any 6 consecutive bases within chr11:2,884,891-2,884,903 gives the same sequence; the position shown is the placement nearest the transcript's 3' end. VCF-style (leftmost placement, unchanged base first): chr11-2884890-T-TGGGGCC. GRCh37 (hg19) VCF-style: chr11-2906120-T-TGGGGCC.
Other names: c.594_599dupGGCCCC (NM_000076.2); c.588GGCCCC[3], p.197AP[11] (NM_000076.2, NM_001362474.2); c.555GGCCCC[3], p.186AP[11] (NM_001122631.2); c.255+300GGCCCC[3] (NM_001362475.2); c.594_599dup (NM_000076.2).
Identifiers: ClinVar variation 412840 (VCV000412840.24), dbSNP rs1060503855, ClinGen allele CA16613578.
Genomic context (GRCh38, chr11:2,884,890, plus strand): 5'-AGGCGCCGCGTCCGGGGCCGGGGCCGGGGCGGGGGCCGGGGCCGGGGCCGGGGCCGGGGC[T>TGGGGCC]GGGGCCGGGGCCGCGACTGGAGCCGGGGCCGGAGCCGGAGCCGGAGCCGGGGCCGGGGCC-3'

ClinVar aggregate classification (germline): Likely benign. Review status: criteria provided, multiple submitters, no conflicts (2 of 4 stars). 2 submissions from 2 submitters: Likely benign (2). Last evaluated 2026-07-01.

Conditions:
Beckwith-Wiedemann syndrome (BWS). Also called: EMG SYNDROME; Exomphalos macroglossia gigantism syndrome. Identifiers: Orphanet 116, MedGen C0004903, MONDO:0007534, OMIM 130650.

Submissions (2):

CeGaT Center for Human Genetics Tuebingen
Classification: Likely benign. Last evaluated: 2026-07-01. Review status: criteria provided, single submitter. Criteria: CeGaT Center For Human Genetics Tuebingen Variant Classification Criteria Version 2. Collection method: clinical testing. Allele origin: germline. Affected: yes. Observed: 2 variant alleles.
Comment: CDKN1C: BS1

Labcorp Genetics (formerly Invitae), Labcorp
Classification: Likely benign for Beckwith-Wiedemann syndrome. Last evaluated: 2026-01-04. Review status: criteria provided, single submitter. Criteria: Invitae Variant Classification Sherloc (09022015). Collection method: clinical testing. Allele origin: germline.